The following is an entry in ClinVar:

NM_015215.4(CAMTA1):c.423G>C (p.Lys141Asn)

Gene: CAMTA1 (calmodulin binding transcription activator 1; plus strand). Cytogenetic location: 1p36.23.
Variant type: single nucleotide variant.
Coding change: c.423G>C on transcript NM_015215.4 (MANE Select); coding-DNA position 423, G replaced by C.
Protein change: p.Lys141Asn; replaces lysine 141 with asparagine.
Molecular consequence: missense variant.
Genome position (GRCh38, 1-based): chr1:7,249,611, G>C. VCF-style: chr1-7249611-G-C. GRCh37 (hg19) VCF-style: chr1-7309671-G-C.
Other names: c.333G>C, p.Lys111Asn (NM_001349608.2, NM_001349612.2); c.423G>C, p.Lys141Asn (NM_001349609.2, NM_001349610.2); short protein forms K111N, K141N.
Identifiers: ClinVar variation 973014 (VCV000973014.8), dbSNP rs1666321359, ClinGen allele CA338218811.

ClinVar aggregate classification (germline): Conflicting classifications of pathogenicity. Review status: criteria provided, conflicting classifications (1 of 4 stars). 2 submissions from 2 submitters: Pathogenic (1); Uncertain significance (1). Last evaluated 2026-03-01.

Conditions:
Cerebellar dysfunction with variable cognitive and behavioral abnormalities (CECBA). Also called: Nonprogressive cerebellar atxia with intellectual disability. Identifiers: Orphanet 314647, MedGen C3553661, MONDO:0013886, OMIM 614756.

Submissions (2):

CeGaT Center for Human Genetics Tuebingen
Classification: Uncertain significance. Last evaluated: 2026-03-01. Review status: criteria provided, single submitter. Criteria: CeGaT Center For Human Genetics Tuebingen Variant Classification Criteria Version 2. Collection method: clinical testing. Allele origin: germline. Affected: yes. Observed: 1 variant allele.
Comment: CAMTA1: PM2, PM6, PS4:Supporting

GeneDx
Classification: Pathogenic. Last evaluated: 2022-10-24. Review status: criteria provided, single submitter. Criteria: GeneDx Variant Classification Process June 2021. Collection method: clinical testing. Allele origin: germline. Affected: yes.
Comment: Not observed at significant frequency in large population cohorts (gnomAD); In silico analysis supports that this missense variant has a deleterious effect on protein structure/function; Has not been previously published as pathogenic or benign to our knowledge